The following is an entry in ClinVar:

ClinVar aggregate classification (germline): Pathogenic (1 of 4 stars; one submission).

Conditions:
Dilated cardiomyopathy 1HH (CMD1HH). Identifiers: Orphanet 154, MedGen C3151293, MONDO:0013479, OMIM 613881.
Myofibrillar myopathy 6. Identifiers: Orphanet 199340, MedGen C2751831, MONDO:0013061, OMIM 612954.

Submission:

Labcorp Genetics (formerly Invitae), Labcorp
Classification: Pathogenic for Dilated cardiomyopathy 1HH; Myofibrillar myopathy 6. Last evaluated: 2022-01-28. Review status: criteria provided, single submitter. Criteria: Invitae Variant Classification Sherloc (09022015). Collection method: clinical testing. Allele origin: germline.
Comment: This variant has not been reported in the literature in individuals affected with BAG3-related conditions. For these reasons, this variant has been classified as Pathogenic. This variant disrupts a region of the BAG3 protein in which other variant(s) (p.Arg473*) have been determined to be pathogenic (PMID: 28436997, 32160020; Invitae). This suggests that this is a clinically significant region of the protein, and that variants that disrupt it are likely to be disease-causing. This variant is not present in population databases (gnomAD no frequency). This sequence change creates a premature translational stop signal (p.Gly472*) in the BAG3 gene. While this is not anticipated to result in nonsense mediated decay, it is expected to disrupt the last 104 amino acid(s) of the BAG3 protein.

Literature cited by the submitters: PubMed 28436997; PubMed 32160020.

NM_004281.4(BAG3):c.1414G>T (p.Gly472Ter)

Gene: BAG3 (BAG cochaperone 3; plus strand). Cytogenetic location: 10q26.11.
Variant type: single nucleotide variant.
Coding change: c.1414G>T on transcript NM_004281.4 (MANE Select); coding-DNA position 1414, G replaced by T.
Protein change: p.Gly472Ter; replaces glycine 472 with a stop codon.
Molecular consequence: nonsense.
Genome position (GRCh38, 1-based): chr10:119,676,968, G>T. VCF-style: chr10-119676968-G-T. GRCh37 (hg19) VCF-style: chr10-121436480-G-T.
Other names: short protein forms G472*.
Identifiers: ClinVar variation 2090671 (VCV002090671.4), dbSNP rs1847246944, ClinGen allele CA378297273.
Genomic context (GRCh38, chr10:119,676,968, plus strand): 5'-CTGATGATCGAAGAGTATTTGACCAAAGAGCTGCTGGCCCTGGATTCAGTGGACCCCGAG[G>T]GACGAGCCGATGTGCGTCAGGCCAGGAGAGACGGTGTCAGGAAGGTTCAGACCATCTTGG-3'